The following is an entry in ClinVar:

NM_018051.5(DYNC2I1):c.785A>G (p.Lys262Arg)

Gene: DYNC2I1 (dynein 2 intermediate chain 1; plus strand). Cytogenetic location: 7q36.3.
Variant type: single nucleotide variant.
Coding change: c.785A>G on transcript NM_018051.5 (MANE Select); coding-DNA position 785, A replaced by G.
Protein change: p.Lys262Arg; replaces lysine 262 with arginine.
Molecular consequence: missense variant. On other transcripts: 5 prime UTR variant (3).
Genome position (GRCh38, 1-based): chr7:158,879,895, A>G. VCF-style: chr7-158879895-A-G. GRCh37 (hg19) VCF-style: chr7-158672586-A-G.
Other names: c.647A>G, p.Lys216Arg (NM_001350914.2); c.268A>G, p.Lys90Glu (NM_001350915.2); c.-574A>G (NM_001350916.2); c.-582A>G (NM_001350917.2); c.-701A>G (NM_001350918.2); short protein forms K262R, K216R, K90E.
Identifiers: ClinVar variation 541523 (VCV000541523.13), dbSNP rs138438967, ClinGen allele CA4594389.

ClinVar aggregate classification (germline): Likely benign. Review status: criteria provided, single submitter (1 of 4 stars). 2 submissions from 2 submitters: Likely benign (1). 1 of the submissions does not count toward it. Last evaluated 2025-10-13.

Conditions:
Short-rib thoracic dysplasia 8 with or without polydactyly (SRTD8). Also called: SHORT-RIB THORACIC DYSPLASIA 8 WITH POLYDACTYLY. Identifiers: Orphanet 93271, MedGen C3809691, MONDO:0014214, OMIM 615503.
DYNC2I1-related disorder. Also called: DYNC2I1-related condition.

Allele frequency attached by ClinVar (database versions not stated): gnomAD exomes 0.00006 and 0.00013; ExAC 0.00017; ESP Exome Variant Server 0.00042; gnomAD 0.00054; TOPMed 0.00065; 1000 Genomes Project 30x 0.00125; 1000 Genomes Project 0.00160.
gnomAD v4.1: 168 of 1,613,462 alleles (0.01%); highest among the groups gnomAD compares: African/African-American, 0.2%; no homozygotes.

Submissions (2):

Labcorp Genetics (formerly Invitae), Labcorp
Classification: Likely benign for Short-rib thoracic dysplasia 8 with or without polydactyly. Last evaluated: 2025-10-13. Review status: criteria provided, single submitter. Criteria: Invitae Variant Classification Sherloc (09022015). Collection method: clinical testing. Allele origin: germline.

PreventionGenetics, part of Exact Sciences
Classification: Likely benign for DYNC2I1-related condition. Last evaluated: 2022-06-14. Review status: no assertion criteria provided. Collection method: clinical testing. Allele origin: germline. Not counted in ClinVar's aggregate classification.
Comment: This variant is classified as likely benign based on ACMG/AMP sequence variant interpretation guidelines (Richards et al. 2015 PMID: 25741868, with internal and published modifications).